The following is an entry in ClinVar:

ClinVar aggregate classification (germline): Benign/Likely benign. Review status: criteria provided, multiple submitters, no conflicts (2 of 4 stars). 14 submissions from 11 submitters: Benign (13); Likely benign (1). Last evaluated 2026-01-27.

Conditions:
Congenital myopathy 18. Also called: Myopathy, congenital, due to dihydropyridine receptor defect; DIHYDROPYRIDINE RECEPTOR CONGENITAL MYOPATHY; DHPR CONGENITAL MYOPATHY. Identifiers: MedGen C5830283, MONDO:0859514, OMIM 620246.
Hypokalemic periodic paralysis, type 1. Also called: Hypokalemic Periodic Paralysis Type 1 (AD); HypoPP. Identifiers: Orphanet 681, MedGen C3714580, MONDO:0042979, OMIM 170400.
Malignant hyperthermia, susceptibility to, 5 (MHS5). Also called: CACNA1S-Related Malignant Hyperthermia Susceptibility. Identifiers: Orphanet 423, MedGen C1866077, MONDO:0011163, OMIM 601887.
Thyrotoxic periodic paralysis, susceptibility to, 1 (TTPP1). Identifiers: Orphanet 79102, MedGen C2749982, MONDO:0008570, OMIM 188580.

Allele frequency attached by ClinVar (database versions not stated): gnomAD exomes 0.00052 and 0.00132; ExAC 0.00173; 1000 Genomes Project 30x 0.00468; 1000 Genomes Project 0.00499; gnomAD 0.00577 and 0.00615; TOPMed 0.00598; ESP Exome Variant Server 0.00715.
gnomAD v4.1: 1,688 of 1,614,196 alleles (0.1%); highest among the groups gnomAD compares: African/African-American, 2%; 17 homozygotes.

Submissions (14):

Labcorp Genetics (formerly Invitae), Labcorp
Classification: Benign for Hypokalemic periodic paralysis, type 1; Malignant hyperthermia, susceptibility to, 5. Last evaluated: 2026-01-27. Review status: criteria provided, single submitter. Criteria: Invitae Variant Classification Sherloc (09022015). Collection method: clinical testing. Allele origin: germline.

All of Us Research Program, National Institutes of Health
Classification: Benign for Malignant hyperthermia, susceptibility to, 5. Last evaluated: 2024-09-28. Review status: criteria provided, single submitter. Criteria: ACMG Guidelines, 2015. Collection method: clinical testing. Allele origin: germline. Inheritance: Autosomal dominant inheritance. Observed: 447 variant alleles, 443 heterozygotes, 3 homozygotes, 1 hemizygote.
Comment: This study involves interpretation of variants in research participants for the purpose of population health screening. Participant phenotype was not available at the time of variant classification. Additional details can be found in publication PMID: 35346344, PMCID: PMC8962531

Blueprint Genetics
Classification: Likely benign. Last evaluated: 2024-08-12. Review status: criteria provided, single submitter. Criteria: ACMG Guidelines, 2015. Collection method: clinical testing. Allele origin: germline.

Mayo Clinic Laboratories, Mayo Clinic
Classification: Benign. Last evaluated: 2024-02-29. Review status: criteria provided, single submitter. Criteria: ACMG Guidelines, 2015. Collection method: clinical testing. Allele origin: germline. Observed: 5 variant alleles.

Genome-Nilou Lab
Classification: Benign for Malignant hyperthermia, susceptibility to, 5. Last evaluated: 2023-04-11. Review status: criteria provided, single submitter. Criteria: ACMG Guidelines, 2015. Collection method: clinical testing. Allele origin: germline. Affected: no.

Genome-Nilou Lab
Classification: Benign for Thyrotoxic periodic paralysis, susceptibility to, 1. Last evaluated: 2023-04-11. Review status: criteria provided, single submitter. Criteria: ACMG Guidelines, 2015. Collection method: clinical testing. Allele origin: germline. Affected: no.

Genome-Nilou Lab
Classification: Benign for Congenital myopathy 18. Last evaluated: 2023-04-11. Review status: criteria provided, single submitter. Criteria: ACMG Guidelines, 2015. Collection method: clinical testing. Allele origin: germline. Affected: no.

Genome-Nilou Lab
Classification: Benign for Hypokalemic periodic paralysis, type 1. Last evaluated: 2023-04-11. Review status: criteria provided, single submitter. Criteria: ACMG Guidelines, 2015. Collection method: clinical testing. Allele origin: germline. Affected: no.

Color Diagnostics, LLC DBA Color Health
Classification: Benign for Malignant hyperthermia, susceptibility to, 5. Last evaluated: 2022-08-17. Review status: criteria provided, single submitter. Criteria: ACMG Guidelines, 2015. Collection method: clinical testing. Allele origin: germline.

Athena Diagnostics
Classification: Benign. Last evaluated: 2019-12-30. Review status: criteria provided, single submitter. Criteria: Athena Diagnostics Criteria. Collection method: clinical testing. Allele origin: unknown.

Illumina Laboratory Services, Illumina
Classification: Benign for Hypokalemic periodic paralysis, type 1. Last evaluated: 2018-01-12. Review status: criteria provided, single submitter. Criteria: ICSL Variant Classification Criteria 13 December 2019. Collection method: clinical testing. Allele origin: germline.
Comment: This variant was observed in the ICSL laboratory as part of a predisposition screen in an ostensibly healthy population. It had not been previously curated by ICSL or reported in the Human Gene Mutation Database (HGMD: prior to June 1st, 2018), and was therefore a candidate for classification through an automated scoring system. Utilizing variant allele frequency, disease prevalence and penetrance estimates, and inheritance mode, an automated score was calculated to assess if this variant is too frequent to cause the disease. Based on the score and internal cut-off values, a variant classified as benign is not then subjected to further curation. The score for this variant resulted in a classification of benign for this disease.

GeneDx
Classification: Benign. Last evaluated: 2017-03-21. Review status: criteria provided, single submitter. Criteria: GeneDx Variant Classification (06012015). Collection method: clinical testing. Allele origin: germline. Affected: yes.
Comment: This variant is considered likely benign or benign based on one or more of the following criteria: it is a conservative change, it occurs at a poorly conserved position in the protein, it is predicted to be benign by multiple in silico algorithms, and/or has population frequency not consistent with disease.

Breakthrough Genomics
Classification: Benign. Review status: criteria provided, single submitter. Criteria: ACMG Guidelines, 2015. Collection method: not provided. Allele origin: germline. Inheritance: Autosomal dominant inheritance. Affected: yes.

PreventionGenetics, part of Exact Sciences
Classification: Benign. Review status: criteria provided, single submitter. Criteria: ACMG Guidelines, 2015. Collection method: clinical testing. Allele origin: germline.

NM_000069.3(CACNA1S):c.3811G>A (p.Ala1271Thr)

Gene: CACNA1S (calcium voltage-gated channel subunit alpha1 S; minus strand). Cytogenetic location: 1q32.1.
Variant type: single nucleotide variant.
Coding change: c.3811G>A on transcript NM_000069.3 (MANE Select); coding-DNA position 3811, G replaced by A.
Protein change: p.Ala1271Thr; replaces alanine 1271 with threonine.
Molecular consequence: missense variant.
Genome position (GRCh38, 1-based): chr1:201,053,259, C>T on the plus strand (G>A on the coding strand, the complement: CACNA1S is on the minus strand). VCF-style: chr1-201053259-C-T. GRCh37 (hg19) VCF-style: chr1-201022387-C-T.
Other names: p.Ala1271Thr; short protein forms A1271T.
Identifiers: ClinVar variation 254830 (VCV000254830.23), dbSNP rs138144724, ClinGen allele CA082864.
Genomic context (GRCh38, chr1:201,053,259, plus strand): 5'-TGCCTCTCACCTGCATGCCGATGACAGCGTAGATGAAGAAGAGCATGACGATGAGCAGAG[C>T]CACGTAGGGTAGGGCCTGCAGGGCGGGCGGGAGCGCCAGTCAGTGTCTTAGGGCTCCACT-3'
Protein context (NP_000060.2, residues 1261-1281): IKSFQALPYV[Ala1271Thr]LLIVMLFFIY